The following is an entry in ClinVar:

ClinVar aggregate classification (germline): Uncertain significance (1 of 4 stars; one submission).

Conditions:
DK1-congenital disorder of glycosylation. Also called: DK1-CDG; DOLK-congenital disorder of glycosylation; Carbohydrate deficient glycoprotein syndrome type 1m; DK1 DEFICIENCY; DOLICHOL KINASE DEFICIENCY; CONGENITAL DISORDER OF GLYCOSYLATION, TYPE Im. Identifiers: Orphanet 91131, MedGen C1835849, MONDO:0012556, OMIM 610768.

Allele frequency attached by ClinVar (database versions not stated): gnomAD exomes below 0.00001; TOPMed below 0.00001.
gnomAD v4.1: 2 of 1,614,076 alleles (0.00012%); highest among the groups gnomAD compares: African/African-American, 0.0013%; no homozygotes.

Submission:

Labcorp Genetics (formerly Invitae), Labcorp
Classification: Uncertain significance for DK1-congenital disorder of glycosylation. Last evaluated: 2021-10-25. Review status: criteria provided, single submitter. Criteria: Invitae Variant Classification Sherloc (09022015). Collection method: clinical testing. Allele origin: germline.
Comment: In summary, the available evidence is currently insufficient to determine the role of this variant in disease. Therefore, it has been classified as a Variant of Uncertain Significance. Algorithms developed to predict the effect of missense changes on protein structure and function (SIFT, PolyPhen-2, Align-GVGD) all suggest that this variant is likely to be tolerated. This sequence change replaces lysine with arginine at codon 321 of the DOLK protein (p.Lys321Arg). The lysine residue is moderately conserved and there is a small physicochemical difference between lysine and arginine. This variant is not present in population databases (ExAC no frequency). This variant has not been reported in the literature in individuals affected with DOLK-related conditions.

NM_014908.4(DOLK):c.962A>G (p.Lys321Arg)

Gene: DOLK (dolichol kinase; minus strand). Cytogenetic location: 9q34.11.
Variant type: single nucleotide variant.
Coding change: c.962A>G on transcript NM_014908.4 (MANE Select); coding-DNA position 962, A replaced by G.
Protein change: p.Lys321Arg; replaces lysine 321 with arginine.
Molecular consequence: missense variant.
Genome position (GRCh38, 1-based): chr9:128,946,342, T>C on the plus strand (A>G on the coding strand, the complement: DOLK is on the minus strand). VCF-style: chr9-128946342-T-C. GRCh37 (hg19) VCF-style: chr9-131708621-T-C.
Other names: short protein forms K321R.
Identifiers: ClinVar variation 1360306 (VCV001360306.6), dbSNP rs1841666950, ClinGen allele CA375121290.